The following is an entry in ClinVar:

NM_016529.6(ATP8A2):c.1937A>C (p.Tyr646Ser)

Gene: ATP8A2 (ATPase phospholipid transporting 8A2). Cytogenetic location: 13q12.13.
Variant type: single nucleotide variant.
Coding change: c.1937A>C on transcript NM_016529.6 (MANE Select); coding-DNA position 1937, A replaced by C.
Protein change: p.Tyr646Ser; replaces tyrosine 646 with serine.
Molecular consequence: missense variant.
Genome position (GRCh38, 1-based): chr13:25,579,877, A>C. VCF-style: chr13-25579877-A-C. GRCh37 (hg19) VCF-style: chr13-26154015-A-C.
Other names: c.1817A>C, p.Tyr606Ser (NM_001313741.1); c.1937A>C, p.Tyr646Ser (NM_001411005.1, NM_001411006.1); short protein forms Y646S, Y606S.
Identifiers: ClinVar variation 2015848 (VCV002015848.4), dbSNP rs2039724711, ClinGen allele CA387615251.

ClinVar aggregate classification (germline): Uncertain significance (1 of 4 stars; one submission).

Submission:

Labcorp Genetics (formerly Invitae), Labcorp
Classification: Uncertain significance. Last evaluated: 2024-04-15. Review status: criteria provided, single submitter. Criteria: Invitae Variant Classification Sherloc (09022015). Collection method: clinical testing. Allele origin: germline.
Comment: This sequence change replaces tyrosine, which is neutral and polar, with serine, which is neutral and polar, at codon 646 of the ATP8A2 protein (p.Tyr646Ser). This variant is not present in population databases (gnomAD no frequency). This variant has not been reported in the literature in individuals affected with ATP8A2-related conditions. ClinVar contains an entry for this variant (Variation ID: 2015848). Advanced modeling of protein sequence and biophysical properties (such as structural, functional, and spatial information, amino acid conservation, physicochemical variation, residue mobility, and thermodynamic stability) performed at Invitae indicates that this missense variant is not expected to disrupt ATP8A2 protein function with a negative predictive value of 80%. In summary, the available evidence is currently insufficient to determine the role of this variant in disease. Therefore, it has been classified as a Variant of Uncertain Significance.